The following is an entry in ClinVar:

NM_015627.3(LDLRAP1):c.158T>A (p.Leu53Gln)

Gene: LDLRAP1 (low density lipoprotein receptor adaptor protein 1; plus strand). Cytogenetic location: 1p36.11.
Variant type: single nucleotide variant.
Coding change: c.158T>A on transcript NM_015627.3 (MANE Select); coding-DNA position 158, T replaced by A.
Protein change: p.Leu53Gln; replaces leucine 53 with glutamine.
Molecular consequence: missense variant.
Genome position (GRCh38, 1-based): chr1:25,553,991, T>A. VCF-style: chr1-25553991-T-A. GRCh37 (hg19) VCF-style: chr1-25880482-T-A.
Other names: short protein forms L53Q.
Identifiers: ClinVar variation 4046776 (VCV004046776.1).

ClinVar aggregate classification (germline): Uncertain significance (1 of 4 stars; one submission).

Conditions:
Cardiovascular phenotype. Identifiers: MedGen CN230736.

Submission:

Ambry Genetics
Classification: Uncertain significance for Cardiovascular phenotype. Last evaluated: 2025-04-14. Review status: criteria provided, single submitter. Criteria: Ambry Variant Classification Scheme 2023. Collection method: clinical testing. Allele origin: germline.
Comment: The p.L53Q variant (also known as c.158T>A), located in coding exon 2 of the LDLRAP1 gene, results from a T to A substitution at nucleotide position 158. The leucine at codon 53 is replaced by glutamine, an amino acid with dissimilar properties. This amino acid position is conserved. In addition, this alteration is predicted to be deleterious by in silico analysis. Based on the available evidence, the clinical significance of this variant remains unclear.